The following is an entry in ClinVar:

NM_001130965.3(SUN1):c.94G>A (p.Asp32Asn)

Gene: SUN1 (Sad1 and UNC84 domain containing 1; plus strand). Cytogenetic location: 7p22.3.
Variant type: single nucleotide variant.
Coding change: c.94G>A on transcript NM_001130965.3 (MANE Select); coding-DNA position 94, G replaced by A.
Protein change: p.Asp32Asn; replaces aspartic acid 32 with asparagine.
Molecular consequence: missense variant. On other transcripts: 5 prime UTR variant (29), non-coding transcript variant (3), intron variant (2).
Genome position (GRCh38, 1-based): chr7:838,814, G>A. VCF-style: chr7-838814-G-A. GRCh37 (hg19) VCF-style: chr7-878451-G-A.
Other names: c.94G>A, p.Asp32Asn (NM_001171944.2, NM_001171946.2, NM_001367633.1 and 34 more transcripts); c.157G>A, p.Asp53Asn (NM_001171945.2); c.-364G>A (NM_001367635.1); c.-57G>A (NM_001367636.1, NM_001367637.1, NM_001367644.1 and 25 more transcripts); c.313G>A, p.Asp105Asn (NM_001367651.1); c.-668G>A (NM_001367658.1); c.78-3132G>A (NM_001367695.1); c.-301-3132G>A (NM_001367639.1); short protein forms D32N, D53N, D105N.
Identifiers: ClinVar variation 2727705 (VCV002727705.3), dbSNP rs1240613681, ClinGen allele CA366544101.

ClinVar aggregate classification (germline): Uncertain significance (1 of 4 stars; one submission).

Conditions:
Emery-Dreifuss muscular dystrophy (EDMD). Also called: Scapuloperoneal syndrome, X-linked (formerly); Humeroperoneal neuromuscular disease, (formerly). Identifiers: Orphanet 261, MedGen C0410189, MONDO:0016830.

Allele frequency attached by ClinVar (database versions not stated): gnomAD exomes below 0.00001.

Submission:

Labcorp Genetics (formerly Invitae), Labcorp
Classification: Uncertain significance for Emery-Dreifuss muscular dystrophy. Last evaluated: 2023-12-31. Review status: criteria provided, single submitter. Criteria: Invitae Variant Classification Sherloc (09022015). Collection method: clinical testing. Allele origin: germline.
Comment: This sequence change replaces aspartic acid, which is acidic and polar, with asparagine, which is neutral and polar, at codon 32 of the SUN1 protein (p.Asp32Asn). This variant is present in population databases (no rsID available, gnomAD no frequency). This variant has not been reported in the literature in individuals affected with SUN1-related conditions. An algorithm developed to predict the effect of missense changes on protein structure and function (PolyPhen-2) suggests that this variant is likely to be tolerated. In summary, the available evidence is currently insufficient to determine the role of this variant in disease. Therefore, it has been classified as a Variant of Uncertain Significance.